The following is an entry in ClinVar:

ClinVar aggregate classification (germline): Uncertain significance (1 of 4 stars; one submission).

Conditions:
Cholestasis, progressive familial intrahepatic, 4. Identifiers: Orphanet 480483, Orphanet 79304, MedGen C2931067, MONDO:0014381, OMIM 615878.

Submission:

Department of Human Genetics, Hannover Medical School
Classification: Uncertain significance for Cholestasis, progressive familial intrahepatic, 4. Last evaluated: 2022-08-25. Review status: criteria provided, single submitter. Criteria: ACMG Guidelines, 2015. Collection method: clinical testing. Allele origin: germline. Affected: yes.
Comment: The variant is not yet known in the Clinvar and LOVD variant databases or in the literature. It is also not listed in the population database gnomAD. This missense variant involves an evolutionarily moderately conserved amino acid. The physicochemical difference between the original (alanine) and the newly evolved amino acid (serine) is moderate. In silico analysis of the variant suggests that it may be a variant of no clinical significance.

NM_004817.4(TJP2):c.2020G>T (p.Ala674Ser)

Gene: TJP2 (tight junction protein 2; plus strand). Cytogenetic location: 9q21.11.
Variant type: single nucleotide variant.
Coding change: c.2020G>T on transcript NM_004817.4 (MANE Select); coding-DNA position 2020, G replaced by T.
Protein change: p.Ala674Ser; replaces alanine 674 with serine.
Molecular consequence: missense variant.
Genome position (GRCh38, 1-based): chr9:69,236,977, G>T. VCF-style: chr9-69236977-G-T. GRCh37 (hg19) VCF-style: chr9-71851893-G-T.
Other names: c.1951G>T, p.Ala651Ser (NM_001170414.2, NM_001369871.1); c.2032G>T, p.Ala678Ser (NM_001170415.1, NM_001369874.1, NM_001369875.1); c.2113G>T, p.Ala705Ser (NM_001170416.2); c.1945G>T, p.Ala649Ser (NM_001369870.1); c.2020G>T, p.Ala674Ser (NM_001369872.1, NM_001369873.1, NM_201629.3); short protein forms A649S, A651S, A674S, A678S, A705S.
Identifiers: ClinVar variation 1702949 (VCV001702949.1), dbSNP rs199605381, ClinGen allele CA373532793.
Genomic context (GRCh38, chr9:69,236,977, plus strand): 5'-TTAGAGATTTACTTCCCGTGGTTTCTTCTCAGAGCTGAACAAATGGCCAGTGTTCAAAAT[G>T]CCCAGAGAGACAACGCTGGGGACCGGGCAGATTTCTGGAGAATGCGTGGCCAGAGGTCTG-3'
Protein context (NP_004808.2, residues 664-684): RAEQMASVQN[Ala674Ser]QRDNAGDRAD